The following is an entry in ClinVar:

ClinVar aggregate classification (germline): Pathogenic (1 of 4 stars; one submission).

Submission:

Labcorp Genetics (formerly Invitae), Labcorp
Classification: Pathogenic. Last evaluated: 2023-09-11. Review status: criteria provided, single submitter. Criteria: Invitae Variant Classification Sherloc (09022015). Collection method: clinical testing. Allele origin: germline.
Comment: This sequence change creates a premature translational stop signal (p.Gln25Profs*22) in the STAR gene. It is expected to result in an absent or disrupted protein product. Loss-of-function variants in STAR are known to be pathogenic (PMID: 8948562). This variant is not present in population databases (gnomAD no frequency). This variant has not been reported in the literature in individuals affected with STAR-related conditions. For these reasons, this variant has been classified as Pathogenic.

Literature cited by the submitters: PubMed 8948562.

NM_000349.3(STAR):c.73dup (p.Gln25fs)

Gene: STAR (steroidogenic acute regulatory protein; minus strand). Cytogenetic location: 8p11.23.
Variant type: Duplication.
Coding change: c.73dup on transcript NM_000349.3 (MANE Select); coding-DNA position 73, one base duplicated (C; older notation c.73dupC).
Protein change: p.Gln25fs; shifts the reading frame from glutamine 25.
Molecular consequence: frameshift variant.
Genome position (GRCh38, 1-based): chr8:38,148,746, G duplicated on the plus strand (C on the coding strand, the reverse complement: STAR is on the minus strand). VCF-style (leftmost placement, unchanged base first): chr8-38148745-T-TG. GRCh37 (hg19) VCF-style: chr8-38006263-T-TG.
Other names: short protein forms Q25fs.
Identifiers: ClinVar variation 2760056 (VCV002760056.3), dbSNP rs2487069292, ClinGen allele CA2697549831.
Genomic context (GRCh38, chr8:38,148,745, plus strand): 5'-GGGGTGGGGCCCCCCAGGGCCCTCCGGTTCAGCTCCTGGCTGATGGCCATCACAGCCTGT[T>TG]GCCTCAGCCCTGCAGAAGGGAATAACCCTTGTCTAGGAGCTGGAAAGCCCCTTAGAGATG-3'